The following is an entry in ClinVar:

NM_000383.4(AIRE):c.1411C>T (p.Arg471Cys)

Gene: AIRE (autoimmune regulator; plus strand). Cytogenetic location: 21q22.3.
Variant type: single nucleotide variant.
Coding change: c.1411C>T on transcript NM_000383.4 (MANE Select); coding-DNA position 1411, C replaced by T.
Protein change: p.Arg471Cys; replaces arginine 471 with cysteine.
Molecular consequence: missense variant.
Genome position (GRCh38, 1-based): chr21:44,294,411, C>T. VCF-style: chr21-44294411-C-T. GRCh37 (hg19) VCF-style: chr21-45714294-C-T.
Other names: p.Arg471Cys; c.1411C>T (LRG_18t1); short protein forms R471C.
Identifiers: ClinVar variation 128332 (VCV000128332.59), dbSNP rs74203920, ClinGen allele CA151720.
Genomic context (GRCh38, chr21:44,294,411, plus strand): 5'-GGCACTCCTGCTCCCCCCCAGGGCTGGCAGCCCCTCATCCTCTGCTGCAGGACGGGCCTG[C>T]GCTGCAGATCCTGCTCAGGAGACGTGACCCCAGCCCCTGTGGAGGGGGTGCTGGCCCCCA-3'
Protein context (NP_000374.1, residues 461-481): AGTSRPGTGL[Arg471Cys]CRSCSGDVTP

ClinVar aggregate classification (germline): Benign/Likely benign. Review status: criteria provided, multiple submitters, no conflicts (2 of 4 stars). 15 submissions from 15 submitters: Benign (6); Likely benign (5). 4 of the submissions do not count toward it. Last evaluated 2026-06-01.

Conditions:
Polyglandular autoimmune syndrome, type 1 (APS1). Also called: Autoimmune polyendocrinopathy syndrome, type I; HYPOADRENOCORTICISM WITH HYPOPARATHYROIDISM AND SUPERFICIAL MONILIASIS; PGA I; AUTOIMMUNE POLYENDOCRINE SYNDROME, TYPE I, WITH OR WITHOUT REVERSIBLE METAPHYSEAL DYSPLASIA; Autoimmune polyendocrinopathy syndrome , type I, with or without reversible metaphyseal dysplasia; Autoimmune polyendocrine syndrome type 1. Identifiers: Orphanet 3453, MedGen C0085859, MONDO:0009411, OMIM 240300.

Allele frequency attached by ClinVar (database versions not stated): 1000 Genomes Project 30x 0.00344; 1000 Genomes Project 0.00439; TOPMed 0.00775; ESP Exome Variant Server 0.00850; gnomAD 0.01120 and 0.01176.
gnomAD v4.1: 20,106 of 1,574,200 alleles (1.3%); highest among the groups gnomAD compares: Non-Finnish European, 1.5%; 175 homozygotes.

Submissions (15):

CeGaT Center for Human Genetics Tuebingen
Classification: Benign. Last evaluated: 2026-06-01. Review status: criteria provided, single submitter. Criteria: CeGaT Center For Human Genetics Tuebingen Variant Classification Criteria Version 2. Collection method: clinical testing. Allele origin: germline. Affected: yes. Observed: 15 variant alleles.
Comment: AIRE: BS1, BS2

Labcorp Genetics (formerly Invitae), Labcorp
Classification: Benign for Polyglandular autoimmune syndrome, type 1. Last evaluated: 2026-02-04. Review status: criteria provided, single submitter. Criteria: Invitae Variant Classification Sherloc (09022015). Collection method: clinical testing. Allele origin: germline.

Blueprint Genetics
Classification: Likely benign. Last evaluated: 2024-11-28. Review status: criteria provided, single submitter. Criteria: ACMG Guidelines, 2015. Collection method: clinical testing. Allele origin: germline.

Mayo Clinic Laboratories, Mayo Clinic
Classification: Benign. Last evaluated: 2024-11-04. Review status: criteria provided, single submitter. Criteria: ACMG Guidelines, 2015. Collection method: clinical testing. Allele origin: germline. Observed: 18 variant alleles.
Comment: BS1, BS2

Fulgent Genetics
Classification: Likely benign for Polyglandular autoimmune syndrome, type 1. Last evaluated: 2021-07-02. Review status: criteria provided, single submitter. Criteria: ACMG Guidelines, 2015. Collection method: clinical testing. Allele origin: unknown.

Women's Health and Genetics/Laboratory Corporation of America, LabCorp
Classification: Likely benign. Last evaluated: 2021-04-28. Review status: criteria provided, single submitter. Criteria: LabCorp Variant Classification Summary - May 2015. Collection method: clinical testing. Allele origin: germline.
Comment: Variant summary: AIRE c.1411C>T (p.Arg471Cys) results in a non-conservative amino acid change located in the PHD-type Zinc finger domain (IPR001965) of the encoded protein sequence. Five of five in-silico tools predict a damaging effect of the variant on protein function. The variant allele was found at a frequency of 0.01 in 333270 control chromosomes, predominantly at a frequency of 0.014 within the European subpopulation in the gnomAD database (v2.1, v3, and publication data), including 19 homozygotes. The observed variant frequency within Non-Finnish European control individuals in the gnomAD database is approximately 5-fold higher than the estimated maximal expected allele frequency for a pathogenic variant in AIRE causing Autoimmune Polyglandular Syndrome Type 1 (APS-1) phenotype (0.0028), strongly suggesting that the variant is a benign polymorphism. The variant, c.1411C>T, has been reported in homozygosity in 3 patients affected with isolated primary adrenal insufficiency (Betterle_2013, Tsai_2016), and in compound heterozygous state with a loss of function AIRE variant in an individual affected with isolated primary hypoparathyroidism (Orlova_2017), however, the three major components of APS-1 were not present in these patients, and the lack of characteristic autoantibodies present in APS-1 was also noted in several cases. On the other hand, the variant has also been reported in the literature in heterozygous state in patients with isolated adrenal insufficiency (Boe Wolff_2008, Orlova_2010), isolated hypoparathyroidism (Cervato_2010), and adrenal insufficiency with type 1 diabetes and/or autoimmune thyroid disease, i.e. with autoimmune polyglandular syndrome type 2 (APS-2) (Toth_2010, Resende_2014). Recent large scale genome-wide association studies (GWAS) demonstrated that the p.R471C (rs74203920) variant was enriched in patients affected with isolated autoimmune Addison's disease (AAD) and APS-2 (OR = 3.4) (Eriksson_2021), and also in patients affected with (isolated) type 1 diabetes (Chiou_2021), although the effect of linkage disequilibrium with nearby genes/variants cannot be excluded. Two publications reported experimental evidence evaluating an impact on protein function, and demonstrated that the R471C variant had no significant effect on the expression of AIRE-dependent genes, neither in co-transfection experiments with the wild-type gene, nor when the variant was transfected alone (Oftedal_2015, Eriksson_2021). Two clinical diagnostic laboratories have submitted clinical-significance assessments for this variant to ClinVar after 2014 without evidence for independent evaluation, and both of them classified the variant as benign/likely benign. In conclusion, current evidence does not support the variant as a cause of APS-1, but instead points to an increased risk of isolated- or multi-organ autoimmune endocrine diseases at the population level. Therefore, based on the evidence outlined above, the variant was classified as likely benign.

Genetic Services Laboratory, University of Chicago
Classification: Benign. Last evaluated: 2021-04-08. Review status: criteria provided, single submitter. Criteria: ACMG Guidelines, 2015. Collection method: clinical testing. Allele origin: germline. Affected: no.

Center for Pediatric Genomic Medicine, Children's Mercy Hospital and Clinics
Classification: Likely benign. Last evaluated: 2017-04-18. Review status: criteria provided, single submitter. Criteria: ACMG Guidelines, 2015. Collection method: clinical testing. Allele origin: germline.

GeneDx
Classification: Benign. Last evaluated: 2015-03-03. Review status: criteria provided, single submitter. Criteria: GeneDx Variant Classification Process June 2021. Collection method: clinical testing. Allele origin: germline. Affected: yes.
Comment: This variant is associated with the following publications: (PMID: 28911151, 26650942, 20718774, 25402387, 24014553, 21070315, 19863576)

Breakthrough Genomics
Classification: Likely benign. Review status: criteria provided, single submitter. Criteria: ACMG Guidelines, 2015. Collection method: not provided. Allele origin: germline. Inheritance: Autosomal recessive inheritance. Affected: yes.

PreventionGenetics, part of Exact Sciences
Classification: Benign. Review status: criteria provided, single submitter. Criteria: ACMG Guidelines, 2015. Collection method: clinical testing. Allele origin: germline.

Natera, Inc.
Classification: Benign for Polyglandular autoimmune syndrome type 1. Last evaluated: 2019-11-14. Review status: no assertion criteria provided. Collection method: clinical testing. Allele origin: germline. Not counted in ClinVar's aggregate classification.

Genome Diagnostics Laboratory, University Medical Center Utrecht
Classification: Benign. Review status: no assertion criteria provided. Collection method: clinical testing. Allele origin: germline. Affected: yes. Study: VKGL Data-share Consensus. Not counted in ClinVar's aggregate classification.

Joint Genome Diagnostic Labs from Nijmegen and Maastricht, Radboudumc and MUMC+
Classification: Likely benign. Review status: no assertion criteria provided. Collection method: clinical testing. Allele origin: germline. Affected: yes. Study: VKGL Data-share Consensus. Not counted in ClinVar's aggregate classification.

Laboratory of Diagnostic Genome Analysis, Leiden University Medical Center (LUMC)
Classification: Likely benign. Review status: no assertion criteria provided. Collection method: clinical testing. Allele origin: germline. Affected: yes. Study: VKGL Data-share Consensus. Not counted in ClinVar's aggregate classification.

Literature cited by the submitters: PubMed 19863576 (cited by Mayo Clinic Laboratories, Mayo Clinic and Women's Health and Genetics/Laboratory Corporation of America, LabCorp); PubMed 20718774 (cited by Mayo Clinic Laboratories, Mayo Clinic and Women's Health and Genetics/Laboratory Corporation of America, LabCorp); PubMed 21070315 (cited by Mayo Clinic Laboratories, Mayo Clinic and Women's Health and Genetics/Laboratory Corporation of America, LabCorp); PubMed 24014553 (cited by Mayo Clinic Laboratories, Mayo Clinic and Women's Health and Genetics/Laboratory Corporation of America, LabCorp); PubMed 25402387 (cited by Mayo Clinic Laboratories, Mayo Clinic and Women's Health and Genetics/Laboratory Corporation of America, LabCorp); PubMed 26650942 (cited by Mayo Clinic Laboratories, Mayo Clinic and Women's Health and Genetics/Laboratory Corporation of America, LabCorp); PubMed 28911151 (cited by Mayo Clinic Laboratories, Mayo Clinic and Women's Health and Genetics/Laboratory Corporation of America, LabCorp); PubMed 34390440 (cited by Mayo Clinic Laboratories, Mayo Clinic); PubMed 35683627 (cited by Mayo Clinic Laboratories, Mayo Clinic); PubMed 18200029 (cited by Women's Health and Genetics/Laboratory Corporation of America, LabCorp); PubMed 20407228 (cited by Women's Health and Genetics/Laboratory Corporation of America, LabCorp); PubMed 23643663 (cited by Women's Health and Genetics/Laboratory Corporation of America, LabCorp); PubMed 26084028 (cited by Women's Health and Genetics/Laboratory Corporation of America, LabCorp); PubMed 27266815 (cited by Women's Health and Genetics/Laboratory Corporation of America, LabCorp); PubMed 33574239 (cited by Women's Health and Genetics/Laboratory Corporation of America, LabCorp); PubMed 33599910 (cited by Women's Health and Genetics/Laboratory Corporation of America, LabCorp).